The following is an entry in ClinVar:

NM_016098.4(MPC1):c.106C>A (p.Leu36Ile)

Gene: MPC1 (mitochondrial pyruvate carrier 1; minus strand). Cytogenetic location: 6q27.
Variant type: single nucleotide variant.
Coding change: c.106C>A on transcript NM_016098.4 (MANE Select); coding-DNA position 106, C replaced by A.
Protein change: p.Leu36Ile; replaces leucine 36 with isoleucine.
Molecular consequence: missense variant. On other transcripts: 5 prime UTR variant (5), non-coding transcript variant (5).
Genome position (GRCh38, 1-based): chr6:166,366,861, G>T on the plus strand (C>A on the coding strand, the complement: MPC1 is on the minus strand). VCF-style: chr6-166366861-G-T. GRCh37 (hg19) VCF-style: chr6-166780349-G-T.
Other names: p.L36I:CTT>ATT; c.-24C>A (NM_001270879.2, NM_001376565.1, NM_001376566.1 and 2 more transcripts); c.106C>A, p.Leu36Ile (NM_001376569.1); short protein forms L36I.
Identifiers: ClinVar variation 138240 (VCV000138240.13), dbSNP rs11557064, ClinGen allele CA292121.
Genomic context (GRCh38, chr6:166,366,861, plus strand): 5'-TCATCCGCCCACTGATAATCTCTGGAGACTTTTTCATATCATTGATGGCAGCAATGGGAA[G>T]ACCCCAGTTGGCTACTGGGCCCCAGAAGTGCTACAAAAAATGAGAGGAAAAGAATGAAGA-3'
Protein context (NP_057182.1, residues 26-46): HFWGPVANWG[Leu36Ile]PIAAINDMKK

ClinVar aggregate classification (germline): Benign. Review status: criteria provided, multiple submitters, no conflicts (2 of 4 stars). 3 submissions from 3 submitters: Benign (2). 1 of the submissions does not count toward it. Last evaluated 2026-01-27.

Allele frequency attached by ClinVar (database versions not stated): 1000 Genomes Project 0.00779; 1000 Genomes Project 30x 0.00828; ExAC 0.01675; gnomAD exomes 0.01732 and 0.02470; gnomAD 0.01953 and 0.02030; ESP Exome Variant Server 0.02107; TOPMed 0.02118.
gnomAD v4.1: 39,015 of 1,613,922 alleles (2.4%); highest among the groups gnomAD compares: Middle Eastern, 3.1%; 634 homozygotes.

Submissions (3):

Labcorp Genetics (formerly Invitae), Labcorp
Classification: Benign. Last evaluated: 2026-01-27. Review status: criteria provided, single submitter. Criteria: Invitae Variant Classification Sherloc (09022015). Collection method: clinical testing. Allele origin: germline.

GeneDx
Classification: Benign. Last evaluated: 2013-12-09. Review status: criteria provided, single submitter. Criteria: GeneDx Variant Classification (06012015). Collection method: clinical testing. Allele origin: germline. Affected: yes.
Comment: This variant is considered likely benign or benign based on one or more of the following criteria: it is a conservative change, it occurs at a poorly conserved position in the protein, it is predicted to be benign by multiple in silico algorithms, and/or has population frequency not consistent with disease.

Mayo Clinic Laboratories, Mayo Clinic
Classification: Likely benign. Last evaluated: 2016-02-22. Review status: no assertion criteria provided. Collection method: clinical testing. Allele origin: unknown. Not counted in ClinVar's aggregate classification.